The following is an entry in ClinVar:

ClinVar aggregate classification (germline): Conflicting classifications of pathogenicity. Review status: criteria provided, conflicting classifications (1 of 4 stars). 3 submissions from 3 submitters: Uncertain significance (1); Likely benign (2). Last evaluated 2025-11-18.

Conditions:
MYH7B-related disorder. Also called: MYH7B-related condition.

Allele frequency attached by ClinVar (database versions not stated): TOPMed 0.00154; gnomAD exomes 0.00157; ExAC 0.00179; ESP Exome Variant Server 0.00185; gnomAD 0.00207.
gnomAD v4.1: 3,427 of 1,609,168 alleles (0.21%); highest among the groups gnomAD compares: Non-Finnish European, 0.26%; 12 homozygotes.

Submissions (3):

Labcorp Genetics (formerly Invitae), Labcorp
Classification: Likely benign. Last evaluated: 2025-11-18. Review status: criteria provided, single submitter. Criteria: Invitae Variant Classification Sherloc (09022015). Collection method: clinical testing. Allele origin: germline.

GeneDx
Classification: Uncertain significance. Last evaluated: 2025-10-09. Review status: criteria provided, single submitter. Criteria: GeneDx Variant Classification Process June 2021. Collection method: clinical testing. Allele origin: germline. Affected: yes.
Comment: In silico analysis supports that this missense variant has a deleterious effect on protein structure/function; Has not been previously published as pathogenic or benign to our knowledge; Variants in candidate genes are classified as variants of uncertain significance in accordance with ACMG guidelines (PMID: 25741868)

PreventionGenetics, part of Exact Sciences
Classification: Likely benign for MYH7B-related condition. Last evaluated: 2024-10-15. Review status: criteria provided, single submitter. Criteria: ACMG Guidelines, 2015. Collection method: clinical testing. Allele origin: germline.
Comment: This variant is classified as likely benign based on ACMG/AMP sequence variant interpretation guidelines (Richards et al. 2015 PMID: 25741868, with internal and published modifications).

NM_020884.7(MYH7B):c.2629C>T (p.Arg877Cys)

Gene: MYH7B (myosin heavy chain 7B; plus strand). Cytogenetic location: 20q11.22.
Variant type: single nucleotide variant.
Coding change: c.2629C>T on transcript NM_020884.7 (MANE Select); coding-DNA position 2629, C replaced by T.
Protein change: p.Arg877Cys; replaces arginine 877 with cysteine.
Molecular consequence: missense variant.
Genome position (GRCh38, 1-based): chr20:34,994,330, C>T. VCF-style: chr20-34994330-C-T. GRCh37 (hg19) VCF-style: chr20-33582133-C-T.
Other names: c.2755C>T (NM_020884.4); short protein forms R877C.
Identifiers: ClinVar variation 450402 (VCV000450402.13), dbSNP rs200371401, ClinGen allele CA9827440.
Genomic context (GRCh38, chr20:34,994,330, plus strand): 5'-GCGGCCCTGCGGGCAGAGCTGCGGGGGTTGCGAGGGGCGCTGGCTGCGGCCGAGGCCAAG[C>T]GCCAGGAACTGGAGGAGACGCACGTCAGCATCACCCAGGAGAAGAATGACCTGGCCCTGC-3'
Protein context (NP_065935.4, residues 867-887): RGALAAAEAK[Arg877Cys]QELEETHVSI